The following is an entry in ClinVar:

NM_003000.3(SDHB):c.256A>T (p.Thr86Ser)

Gene: SDHB (succinate dehydrogenase complex iron sulfur subunit B; minus strand). Cytogenetic location: 1p36.13.
Variant type: single nucleotide variant.
Coding change: c.256A>T on transcript NM_003000.3 (MANE Select); coding-DNA position 256, A replaced by T.
Protein change: p.Thr86Ser; replaces threonine 86 with serine.
Molecular consequence: missense variant.
Genome position (GRCh38, 1-based): chr1:17,033,090, T>A on the plus strand (A>T on the coding strand, the complement: SDHB is on the minus strand). VCF-style: chr1-17033090-T-A. GRCh37 (hg19) VCF-style: chr1-17359585-T-A.
Other names: c.256A>T (NM_003000.2); short protein forms T86S.
Identifiers: ClinVar variation 1418417 (VCV001418417.8), dbSNP rs1570951385, ClinGen allele CA338276487.

ClinVar aggregate classification (germline): Uncertain significance. Review status: criteria provided, multiple submitters, no conflicts (2 of 4 stars). 3 submissions from 3 submitters: Uncertain significance (3). Last evaluated 2024-08-27.

Conditions:
Pheochromocytoma. Also called: MAX-Related Hereditary Paraganglioma-Pheochromocytoma Syndrome. Identifiers: Orphanet 29072, MedGen C0031511, MONDO:0008233, OMIM 171300, HP:0002666.
Pheochromocytoma/paraganglioma syndrome 4. Also called: CAROTID BODY TUMORS AND MULTIPLE EXTRAADRENAL PHEOCHROMOCYTOMAS; PARAGANGLIOMA, FAMILIAL MALIGNANT; PARAGANGLIOMAS, HEREDITARY EXTRAADRENAL; PHEOCHROMOCYTOMA, FAMILIAL EXTRAADRENAL; Paragangliomas 4; SDHB-Related Hereditary Paraganglioma-Pheochromocytoma Syndrome (Paragangliomas 4). Identifiers: Orphanet 29072, MedGen C1861848, MONDO:0007273, OMIM 115310.
Gastrointestinal stromal tumor. Also called: Gastrointestinal stroma tumor; Gastrointestinal stromal tumor, somatic. Identifiers: Orphanet 44890, MedGen C0238198, MeSH D046152, MONDO:0011719, OMIM 606764, HP:0100723.
Hereditary cancer-predisposing syndrome. Also called: Tumor predisposition; Hereditary Cancer Syndrome; Hereditary neoplastic syndrome; Neoplastic Syndromes, Hereditary. Identifiers: Orphanet 140162, MedGen C0027672, MeSH D009386, MONDO:0015356.

Allele frequency attached by ClinVar (database versions not stated): gnomAD exomes below 0.00001; TOPMed below 0.00001.

Submissions (3):

Ambry Genetics
Classification: Uncertain significance for Hereditary cancer-predisposing syndrome. Last evaluated: 2024-08-27. Review status: criteria provided, single submitter. Criteria: Ambry Variant Classification Scheme 2023. Collection method: clinical testing. Allele origin: germline.
Comment: The p.T86S variant (also known as c.256A>T), located in coding exon 3 of the SDHB gene, results from an A to T substitution at nucleotide position 256. The threonine at codon 86 is replaced by serine, an amino acid with similar properties. This amino acid position is conserved. In addition, the in silico prediction for this alteration is inconclusive. Based on the available evidence, the clinical significance of this variant remains unclear.

Baylor Genetics
Classification: Uncertain significance for Gastrointestinal stromal tumor. Last evaluated: 2023-05-04. Review status: criteria provided, single submitter. Criteria: ACMG Guidelines, 2015. Collection method: clinical testing. Allele origin: unknown.

Labcorp Genetics (formerly Invitae), Labcorp
Classification: Uncertain significance for Gastrointestinal stromal tumor; Pheochromocytoma/paraganglioma syndrome 4; Pheochromocytoma. Last evaluated: 2021-09-29. Review status: criteria provided, single submitter. Criteria: Invitae Variant Classification Sherloc (09022015). Collection method: clinical testing. Allele origin: germline.
Comment: This sequence change replaces threonine with serine at codon 86 of the SDHB protein (p.Thr86Ser). The threonine residue is highly conserved and there is a small physicochemical difference between threonine and serine. This variant is not present in population databases (ExAC no frequency). This variant has not been reported in the literature in individuals affected with SDHB-related conditions. Algorithms developed to predict the effect of missense changes on protein structure and function are either unavailable or do not agree on the potential impact of this missense change (SIFT: "Deleterious"; PolyPhen-2: "Benign"; Align-GVGD: "Class C55"). In summary, the available evidence is currently insufficient to determine the role of this variant in disease. Therefore, it has been classified as a Variant of Uncertain Significance.